The following is an entry in ClinVar:

NM_001291415.2(KDM6A):c.2831G>T (p.Ser944Ile)

Gene: KDM6A (lysine demethylase 6A; plus strand). Cytogenetic location: Xp11.3.
Variant type: single nucleotide variant.
Coding change: c.2831G>T on transcript NM_001291415.2 (MANE Select); coding-DNA position 2831, G replaced by T.
Protein change: p.Ser944Ile; replaces serine 944 with isoleucine.
Molecular consequence: missense variant. On other transcripts: non-coding transcript variant (1).
Genome position (GRCh38, 1-based): chrX:45,070,330, G>T. VCF-style: chrX-45070330-G-T. GRCh37 (hg19) VCF-style: chrX-44929575-G-T.
Other names: c.2696G>T, p.Ser899Ile (NM_001291416.2); c.2540G>T, p.Ser847Ile (NM_001291417.2); c.2438G>T, p.Ser813Ile (NM_001291418.2); c.1787G>T, p.Ser596Ile (NM_001291421.2); c.2675G>T, p.Ser892Ile (NM_021140.4); c.2675G>T (NM_021140.3); short protein forms S892I, S596I, S899I, S847I, S813I, S944I.
Identifiers: ClinVar variation 1393152 (VCV001393152.7), dbSNP rs938370546, ClinGen allele CA329050418.

ClinVar aggregate classification (germline): Uncertain significance. Review status: criteria provided, multiple submitters, no conflicts (2 of 4 stars). 2 submissions from 2 submitters: Uncertain significance (2). Last evaluated 2026-03-25.

Conditions:
KDM6A-related disorder. Also called: KDM6A-related condition.
Kabuki syndrome 2 (KABUK2). Also called: KDM6A-Related Kabuki Syndrome. Identifiers: Orphanet 2322, MedGen C3275495, MONDO:0010465, OMIM 300867.

Allele frequency attached by ClinVar (database versions not stated): TOPMed 0.00001.
gnomAD v4.1: 1 of 1,211,169 alleles (0.000083%); no homozygotes.

Submissions (2):

PreventionGenetics, part of Exact Sciences
Classification: Uncertain significance for KDM6A-related condition. Last evaluated: 2026-03-25. Review status: criteria provided, single submitter. Criteria: ACMG Guidelines, 2015. Collection method: clinical testing. Allele origin: germline.
Comment: The KDM6A c.2675G>T variant is predicted to result in the amino acid substitution p.Ser892Ile. To our knowledge, this variant has not been reported in the literature or in a large population database (gnomAD), indicating this variant is rare. At this time, the clinical significance of this variant is uncertain due to the absence of conclusive functional and genetic evidence.

Labcorp Genetics (formerly Invitae), Labcorp
Classification: Uncertain significance for Kabuki syndrome 2. Last evaluated: 2025-12-01. Review status: criteria provided, single submitter. Criteria: Invitae Variant Classification Sherloc (09022015). Collection method: clinical testing. Allele origin: germline.
Comment: This sequence change replaces serine, which is neutral and polar, with isoleucine, which is neutral and non-polar, at codon 892 of the KDM6A protein (p.Ser892Ile). This variant is not present in population databases (gnomAD no frequency). This variant has not been reported in the literature in individuals affected with KDM6A-related conditions. ClinVar contains an entry for this variant (Variation ID: 1393152). Invitae Evidence Modeling of protein sequence and biophysical properties (such as structural, functional, and spatial information, amino acid conservation, physicochemical variation, residue mobility, and thermodynamic stability) has been performed for this missense variant. However, the output from this modeling did not meet the statistical confidence thresholds required to predict the impact of this variant on KDM6A protein function. In summary, the available evidence is currently insufficient to determine the role of this variant in disease. Therefore, it has been classified as a Variant of Uncertain Significance.